The following is an entry in ClinVar:

ClinVar aggregate classification (germline): Uncertain significance. Review status: criteria provided, multiple submitters, no conflicts (2 of 4 stars). 3 submissions from 3 submitters: Uncertain significance (3). Last evaluated 2024-02-14.

Conditions:
Spondyloenchondrodysplasia with immune dysregulation (SPENCDI). Also called: SPONDYLOENCHONDRODYSPLASIA WITH OR WITHOUT IMMUNE DYSREGULATION; ROIFMAN IMMUNOSKELETAL SYNDROME; COMBINED IMMUNODEFICIENCY WITH AUTOIMMUNITY AND SPONDYLOMETAPHYSEAL DYSPLASIA. Identifiers: Orphanet 1855, MedGen C1842763, MONDO:0011939, OMIM 607944.

Allele frequency attached by ClinVar (database versions not stated): TOPMed 0.00001; ExAC 0.00002; gnomAD exomes 0.00002.
gnomAD v4.1: 16 of 1,614,112 alleles (0.00099%); highest among the groups gnomAD compares: Admixed American, 0.0033%; no homozygotes.

Submissions (3):

Blueprint Genetics
Classification: Uncertain significance. Last evaluated: 2024-02-14. Review status: criteria provided, single submitter. Criteria: ACMG Guidelines, 2015. Collection method: clinical testing. Allele origin: germline.

Labcorp Genetics (formerly Invitae), Labcorp
Classification: Uncertain significance for Spondyloenchondrodysplasia with immune dysregulation. Last evaluated: 2022-08-22. Review status: criteria provided, single submitter. Criteria: Invitae Variant Classification Sherloc (09022015). Collection method: clinical testing. Allele origin: germline.
Comment: This sequence change replaces proline, which is neutral and non-polar, with leucine, which is neutral and non-polar, at codon 320 of the ACP5 protein (p.Pro320Leu). This variant is present in population databases (rs745604493, gnomAD 0.006%). This variant has not been reported in the literature in individuals affected with ACP5-related conditions. ClinVar contains an entry for this variant (Variation ID: 1472094). Algorithms developed to predict the effect of missense changes on protein structure and function are either unavailable or do not agree on the potential impact of this missense change (SIFT: "Not Available"; PolyPhen-2: "Probably Damaging"; Align-GVGD: "Not Available"). In summary, the available evidence is currently insufficient to determine the role of this variant in disease. Therefore, it has been classified as a Variant of Uncertain Significance.

Breakthrough Genomics
Classification: Uncertain significance. Review status: criteria provided, single submitter. Criteria: ACMG Guidelines, 2015. Collection method: not provided. Allele origin: germline. Inheritance: Autosomal recessive inheritance. Affected: yes.

NM_001611.5(ACP5):c.959C>T (p.Pro320Leu)

Gene: ACP5 (acid phosphatase 5, tartrate resistant; minus strand). Cytogenetic location: 19p13.2.
Variant type: single nucleotide variant.
Coding change: c.959C>T on transcript NM_001611.5 (MANE Select); coding-DNA position 959, C replaced by T.
Protein change: p.Pro320Leu; replaces proline 320 with leucine.
Molecular consequence: missense variant.
Genome position (GRCh38, 1-based): chr19:11,575,029, G>A on the plus strand (C>T on the coding strand, the complement: ACP5 is on the minus strand). VCF-style: chr19-11575029-G-A. GRCh37 (hg19) VCF-style: chr19-11685844-G-A.
Other names: c.959C>T, p.Pro320Leu (NM_001111034.3, NM_001111035.3, NM_001111036.3 and 1 more transcripts); short protein forms P320L.
Identifiers: ClinVar variation 1472094 (VCV001472094.5), dbSNP rs745604493, ClinGen allele CA9215284.